The following is an entry in ClinVar:

NM_001289104.2(PRKCSH):c.1166G>A (p.Arg389Gln)

Gene: PRKCSH (PRKCSH beta subunit of glucosidase II; plus strand). Cytogenetic location: 19p13.2.
Variant type: single nucleotide variant.
Coding change: c.1166G>A on transcript NM_001289104.2 (MANE Select); coding-DNA position 1166, G replaced by A.
Protein change: p.Arg389Gln; replaces arginine 389 with glutamine.
Molecular consequence: missense variant.
Genome position (GRCh38, 1-based): chr19:11,448,261, G>A. VCF-style: chr19-11448261-G-A. GRCh37 (hg19) VCF-style: chr19-11559076-G-A.
Other names: c.1136G>A, p.Arg379Gln (NM_001001329.3, NM_001289102.2, NM_001379609.1); c.1166G>A, p.Arg389Gln (NM_001289103.2); c.1145G>A, p.Arg382Gln (NM_001379608.1, NM_002743.3); short protein forms R379Q, R382Q, R389Q.
Identifiers: ClinVar variation 2974442 (VCV002974442.4), dbSNP rs771608711, ClinGen allele CA9213179.

ClinVar aggregate classification (germline): Uncertain significance. Review status: criteria provided, multiple submitters, no conflicts (2 of 4 stars). 2 submissions from 2 submitters: Uncertain significance (2). Last evaluated 2024-06-03.

Allele frequency attached by ClinVar (database versions not stated): gnomAD 0.00001; gnomAD exomes 0.00002; TOPMed 0.00002; ExAC 0.00008.

Submissions (2):

Labcorp Genetics (formerly Invitae), Labcorp
Classification: Uncertain significance. Last evaluated: 2024-06-03. Review status: criteria provided, single submitter. Criteria: Invitae Variant Classification Sherloc (09022015). Collection method: clinical testing. Allele origin: germline.
Comment: This sequence change replaces arginine, which is basic and polar, with glutamine, which is neutral and polar, at codon 382 of the PRKCSH protein (p.Arg382Gln). The frequency data for this variant in the population databases is considered unreliable, as metrics indicate poor data quality at this position in the gnomAD database. This variant has not been reported in the literature in individuals affected with PRKCSH-related conditions. An algorithm developed to predict the effect of missense changes on protein structure and function (PolyPhen-2) suggests that this variant is likely to be disruptive. In summary, the available evidence is currently insufficient to determine the role of this variant in disease. Therefore, it has been classified as a Variant of Uncertain Significance.

GeneDx
Classification: Uncertain significance. Last evaluated: 2024-05-13. Review status: criteria provided, single submitter. Criteria: GeneDx Variant Classification Process June 2021. Collection method: clinical testing. Allele origin: germline. Affected: yes.
Comment: In silico analysis supports that this missense variant has a deleterious effect on protein structure/function; Has not been previously published as pathogenic or benign to our knowledge